The following is an entry in ClinVar:

ClinVar aggregate classification (germline): Uncertain significance (1 of 4 stars; one submission).

Conditions:
Hereditary cancer-predisposing syndrome. Also called: Neoplastic Syndromes, Hereditary; Tumor predisposition; Hereditary neoplastic syndrome; Hereditary Cancer Syndrome. Identifiers: Orphanet 140162, MedGen C0027672, MeSH D009386, MONDO:0015356.

gnomAD v4.1: 1 of 1,608,658 alleles (0.000062%); no homozygotes.

Submission:

Ambry Genetics
Classification: Uncertain significance for Hereditary cancer-predisposing syndrome. Last evaluated: 2026-08-29. Review status: criteria provided, single submitter. Criteria: Ambry Variant Classification Scheme 2023. Collection method: clinical testing. Allele origin: germline.
Comment: The p.K1026R variant (also known as c.3077A>G), located in coding exon 20 of the SMARCA4 gene, results from an A to G substitution at nucleotide position 3077. The lysine at codon 1026 is replaced by arginine, an amino acid with highly similar properties. This amino acid position is conserved. In addition, the in silico prediction for this alteration is inconclusive. Based on the available evidence, the clinical significance of this variant remains unclear.

NM_003072.5(SMARCA4):c.3077A>G (p.Lys1026Arg)

Gene: SMARCA4 (SWI/SNF related BAF chromatin remodeling complex subunit ATPase 4; plus strand). Cytogenetic location: 19p13.2.
Variant type: single nucleotide variant.
Coding change: c.3077A>G on transcript NM_003072.5 (MANE Select); coding-DNA position 3077, A replaced by G.
Protein change: p.Lys1026Arg; replaces lysine 1026 with arginine.
Molecular consequence: missense variant. On other transcripts: non-coding transcript variant (1).
Genome position (GRCh38, 1-based): chr19:11,024,434, A>G. VCF-style: chr19-11024434-A-G. GRCh37 (hg19) VCF-style: chr19-11135110-A-G.
Other names: c.3077A>G, p.Lys1026Arg (NM_001374457.1, NM_001387283.1, NM_001411150.1 and 6 more transcripts); short protein forms K1026R.
Identifiers: ClinVar variation 5029892 (VCV005029892.1).
Genomic context (GRCh38, chr19:11,024,434, plus strand): 5'-TGCTCTACCGCCACATGCAGGCCAAGGGCGTGCTGCTGACTGATGGCTCCGAGAAGGACA[A>G]GAAGGTGGGCCCCAGAGTCCCCCAACTGCATTCCCCACTGGGTGTCCAAGGCCGGCAGCG-3'
Protein context (NP_003063.2, residues 1016-1036): VLLTDGSEKD[Lys1026Arg]KGKGGTKTLM